The following is an entry in ClinVar:

ClinVar aggregate classification (germline): Pathogenic (1 of 4 stars; one submission).

Conditions:
Nemaline myopathy 9 (NEM9). Identifiers: MedGen C3810384, MONDO:0014326, OMIM 615731.

Allele frequency attached by ClinVar (database versions not stated): gnomAD exomes below 0.00001; gnomAD 0.00002.

Submission:

Labcorp Genetics (formerly Invitae), Labcorp
Classification: Pathogenic for Nemaline myopathy 9. Last evaluated: 2022-09-13. Review status: criteria provided, single submitter. Criteria: Invitae Variant Classification Sherloc (09022015). Collection method: clinical testing. Allele origin: germline.
Comment: For these reasons, this variant has been classified as Pathogenic. This variant has not been reported in the literature in individuals affected with KLHL41-related conditions. The frequency data for this variant in the population databases is considered unreliable, as metrics indicate poor data quality at this position in the gnomAD database. This sequence change creates a premature translational stop signal (p.Lys253*) in the KLHL41 gene. It is expected to result in an absent or disrupted protein product. Loss-of-function variants in KLHL41 are known to be pathogenic (PMID: 24268659).

Literature cited by the submitters: PubMed 24268659.

NM_006063.3(KLHL41):c.756_757insT (p.Lys253Ter)

Gene: KLHL41 (kelch like family member 41; plus strand). Cytogenetic location: 2q31.1.
Variant type: Insertion.
Coding change: c.756_757insT on transcript NM_006063.3 (MANE Select); coding-DNA positions 756 to 757, T inserted.
Protein change: p.Lys253Ter; replaces lysine 253 with a stop codon.
Molecular consequence: nonsense.
Genome position: GRCh38 VCF-style: chr2-169510534-C-CT. GRCh37 (hg19) VCF-style: chr2-170367044-C-CT.
Other names: short protein forms K253*.
Identifiers: ClinVar variation 2118516 (VCV002118516.4), dbSNP rs1185815773, ClinGen allele CA429988068.
Genomic context (GRCh38, chr2:169,510,534, plus strand): 5'-TAAGGATCATGTTGAGAAAGATGATATAATTAAAAGCAACCCAGACCTCCAGAAAAAAAT[C>CT]AAAGTTCTAAAAGATGCTTTCGCAGGCAAACTCCCAGAACCTAGCAAAAATGCCGCGAAG-3'